The following is an entry in ClinVar:

ClinVar aggregate classification (germline): Uncertain significance. Review status: criteria provided, multiple submitters, no conflicts (2 of 4 stars). 2 submissions from 2 submitters: Uncertain significance (2). Last evaluated 2023-07-25.

Conditions:
Long QT syndrome (LQTS). Identifiers: MedGen C0023976, MeSH D008133, MONDO:0002442. Disease mechanism: loss of function. Inheritance: Various modes of inheritance.

Submissions (2):

Labcorp Genetics (formerly Invitae), Labcorp
Classification: Uncertain significance for Long QT syndrome. Last evaluated: 2023-07-25. Review status: criteria provided, single submitter. Criteria: Invitae Variant Classification Sherloc (09022015). Collection method: clinical testing. Allele origin: germline.
Comment: This sequence change replaces glutamine, which is neutral and polar, with leucine, which is neutral and non-polar, at codon 604 of the KCNQ1 protein (p.Gln604Leu). This variant is not present in population databases (gnomAD no frequency). This variant has not been reported in the literature in individuals affected with KCNQ1-related conditions. ClinVar contains an entry for this variant (Variation ID: 200862). Advanced modeling of protein sequence and biophysical properties (such as structural, functional, and spatial information, amino acid conservation, physicochemical variation, residue mobility, and thermodynamic stability) has been performed at Invitae for this missense variant, however the output from this modeling did not meet the statistical confidence thresholds required to predict the impact of this variant on KCNQ1 protein function. In summary, the available evidence is currently insufficient to determine the role of this variant in disease. Therefore, it has been classified as a Variant of Uncertain Significance.

GeneDx
Classification: Uncertain significance. Last evaluated: 2012-06-11. Review status: criteria provided, single submitter. Criteria: GeneDx Variant Classification (06012015). Collection method: clinical testing. Allele origin: germline. Affected: yes.
Comment: This variant is denoted c.1811 A>T at the cDNA level or p.Gln604Leu (Q604L) at the protein level. The Gln604Leu variant in the KCNQ1 gene has not been reported as a disease-causing mutation or as a benign polymorphism to our knowledge. Gln604Leu results in a non-conservative amino acid substitution of a polar Glutamine with a non-polar Leucine. Mutations in nearby codons (Thr600Met, Leu602Pro, Asp611Asn, Asp611Tyr) have been reported in association with LQTS, supporting the functional importance of this region of the protein. Furthermore, the NHLBI ESP Exome Variant Server reports Gln604Leu was not observed in approximately 5,000 samples from individuals of European and African American backgrounds, indicating it is not a common benign variant in these populations. Nevertheless, the Gln604 position is not well conserved across species throughout evolution. With the clinical and molecular information available at this time, we cannot definitively determine if Gln604Leu is a disease-causing mutation or a rare benign variant. The variant is found in LQT panel(s).

NM_000218.3(KCNQ1):c.1811A>T (p.Gln604Leu)

Genes: KCNQ1 (potassium voltage-gated channel subfamily Q member 1; plus strand), KCNQ1-AS1 (KCNQ1 antisense RNA 1; minus strand). Cytogenetic location: 11p15.4.
Variant type: single nucleotide variant.
Coding change: c.1811A>T on transcript NM_000218.3 (MANE Select); coding-DNA position 1811, A replaced by T.
Protein change: p.Gln604Leu; replaces glutamine 604 with leucine.
Molecular consequence: missense variant.
Genome position (GRCh38, 1-based): chr11:2,847,783, A>T. VCF-style: chr11-2847783-A-T. GRCh37 (hg19) VCF-style: chr11-2869013-A-T.
Other names: p.Q604L:CAG>CTG; c.1715A>T, p.Gln572Leu (NM_001406836.1); c.1541A>T, p.Gln514Leu (NM_001406837.1); c.1271A>T, p.Gln424Leu (NM_001406838.1); c.323A>T, p.Gln108Leu (NM_001406839.1); c.1430A>T, p.Gln477Leu (NM_181798.2); short protein forms Q477L, Q604L, Q572L, Q108L, Q514L, Q424L.
Identifiers: ClinVar variation 200862 (VCV000200862.7), dbSNP rs794728541, ClinGen allele CA006465.